The following is an entry in ClinVar:

ClinVar aggregate classification (germline): Uncertain significance (1 of 4 stars; one submission).

Submission:

Labcorp Genetics (formerly Invitae), Labcorp
Classification: Uncertain significance. Last evaluated: 2024-11-19. Review status: criteria provided, single submitter. Criteria: Invitae Variant Classification Sherloc (09022015). Collection method: clinical testing. Allele origin: germline.
Comment: This sequence change replaces arginine, which is basic and polar, with cysteine, which is neutral and slightly polar, at codon 750 of the FGFR3 protein (p.Arg750Cys). The frequency data for this variant in the population databases is considered unreliable, as metrics indicate poor data quality at this position in the gnomAD database. This variant has not been reported in the literature in individuals affected with FGFR3-related conditions. Invitae Evidence Modeling of protein sequence and biophysical properties (such as structural, functional, and spatial information, amino acid conservation, physicochemical variation, residue mobility, and thermodynamic stability) has been performed for this missense variant. However, the output from this modeling did not meet the statistical confidence thresholds required to predict the impact of this variant on FGFR3 protein function. In summary, the available evidence is currently insufficient to determine the role of this variant in disease. Therefore, it has been classified as a Variant of Uncertain Significance.

NM_000142.5(FGFR3):c.2248C>T (p.Arg750Cys)

Gene: FGFR3 (fibroblast growth factor receptor 3; plus strand). Cytogenetic location: 4p16.3.
Variant type: single nucleotide variant.
Coding change: c.2248C>T on transcript NM_000142.5 (MANE Select); coding-DNA position 2248, C replaced by T.
Protein change: p.Arg750Cys; replaces arginine 750 with cysteine.
Molecular consequence: missense variant. On other transcripts: non-coding transcript variant (1).
Genome position (GRCh38, 1-based): chr4:1,806,908, C>T. VCF-style: chr4-1806908-C-T. GRCh37 (hg19) VCF-style: chr4-1808635-C-T.
Other names: c.2254C>T, p.Arg752Cys (NM_001163213.2); c.2251C>T, p.Arg751Cys (NM_001354809.2); c.2180C>T, p.Pro727Leu (NM_001354810.2); c.1912C>T, p.Arg638Cys (NM_022965.4); short protein forms P727L, R638C, R750C, R751C, R752C.
Identifiers: ClinVar variation 3607886 (VCV003607886.2).